The following is an entry in ClinVar:

NM_015466.4(PTPN23):c.2339C>T (p.Thr780Ile)

Gene: PTPN23 (protein tyrosine phosphatase non-receptor type 23; plus strand). Cytogenetic location: 3p21.31.
Variant type: single nucleotide variant.
Coding change: c.2339C>T on transcript NM_015466.4 (MANE Select); coding-DNA position 2339, C replaced by T.
Protein change: p.Thr780Ile; replaces threonine 780 with isoleucine.
Molecular consequence: missense variant.
Genome position (GRCh38, 1-based): chr3:47,410,137, C>T. VCF-style: chr3-47410137-C-T. GRCh37 (hg19) VCF-style: chr3-47451627-C-T.
Other names: c.1961C>T, p.Thr654Ile (NM_001304482.2); short protein forms T654I, T780I.
Identifiers: ClinVar variation 1469850 (VCV001469850.6), dbSNP rs1705233605, ClinGen allele CA352558312.
Genomic context (GRCh38, chr3:47,410,137, plus strand): 5'-ACACCTTCCTGGGAAGTGCCACCCCGCTCCACTTTCCTCCCAGCCCCTTCCCCAGCTCCA[C>T]AGGCCCAGGACCCCACTATCTCTCAGGCCCCTTGCCCCCTGGTACCTACTCGGGCCCCAC-3'
Protein context (NP_056281.1, residues 770-790): HFPPSPFPSS[Thr780Ile]GPGPHYLSGP

ClinVar aggregate classification (germline): Uncertain significance. Review status: criteria provided, multiple submitters, no conflicts (2 of 4 stars). 2 submissions from 2 submitters: Uncertain significance (2). Last evaluated 2022-08-05.

Allele frequency attached by ClinVar (database versions not stated): TOPMed below 0.00001.

Submissions (2):

Labcorp Genetics (formerly Invitae), Labcorp
Classification: Uncertain significance. Last evaluated: 2022-08-05. Review status: criteria provided, single submitter. Criteria: Invitae Variant Classification Sherloc (09022015). Collection method: clinical testing. Allele origin: germline.
Comment: This sequence change replaces threonine, which is neutral and polar, with isoleucine, which is neutral and non-polar, at codon 780 of the PTPN23 protein (p.Thr780Ile). This variant is not present in population databases (gnomAD no frequency). This variant has not been reported in the literature in individuals affected with PTPN23-related conditions. ClinVar contains an entry for this variant (Variation ID: 1469850). Algorithms developed to predict the effect of missense changes on protein structure and function are either unavailable or do not agree on the potential impact of this missense change (SIFT: "Tolerated"; PolyPhen-2: "Not Available"; Align-GVGD: "Class C0"). In summary, the available evidence is currently insufficient to determine the role of this variant in disease. Therefore, it has been classified as a Variant of Uncertain Significance.

GeneDx
Classification: Uncertain significance. Last evaluated: 2022-06-02. Review status: criteria provided, single submitter. Criteria: GeneDx Variant Classification Process June 2021. Collection method: clinical testing. Allele origin: germline. Affected: yes.
Comment: Not observed at significant frequency in large population cohorts (gnomAD); In silico analysis supports that this missense variant does not alter protein structure/function; Has not been previously published as pathogenic or benign to our knowledge